The following is an entry in ClinVar:

ClinVar aggregate classification (germline): Uncertain significance (1 of 4 stars; one submission).

Conditions:
Episodic ataxia type 1 (EA1). Also called: PAROXYSMAL ATAXIA WITH NEUROMYOTONIA, HEREDITARY; MYOKYMIA WITH PERIODIC ATAXIA; Episodic ataxia/myokymia syndrome; ATAXIA, EPISODIC, WITH MYOKYMIA. Identifiers: Orphanet 37612, Orphanet 972, MedGen C1719788, MONDO:0008047, OMIM 160120.

Submission:

Labcorp Genetics (formerly Invitae), Labcorp
Classification: Uncertain significance for Episodic ataxia type 1. Last evaluated: 2023-09-22. Review status: criteria provided, single submitter. Criteria: Invitae Variant Classification Sherloc (09022015). Collection method: clinical testing. Allele origin: germline.
Comment: This sequence change replaces cysteine, which is neutral and slightly polar, with arginine, which is basic and polar, at codon 35 of the KCNA1 protein (p.Cys35Arg). This variant is not present in population databases (gnomAD no frequency). This variant has not been reported in the literature in individuals affected with KCNA1-related conditions. Advanced modeling of protein sequence and biophysical properties (such as structural, functional, and spatial information, amino acid conservation, physicochemical variation, residue mobility, and thermodynamic stability) performed at Invitae indicates that this missense variant is not expected to disrupt KCNA1 protein function. In summary, the available evidence is currently insufficient to determine the role of this variant in disease. Therefore, it has been classified as a Variant of Uncertain Significance.

NM_000217.3(KCNA1):c.103T>C (p.Cys35Arg)

Gene: KCNA1 (potassium voltage-gated channel subfamily A member 1; plus strand). Cytogenetic location: 12p13.32.
Variant type: single nucleotide variant.
Coding change: c.103T>C on transcript NM_000217.3 (MANE Select); coding-DNA position 103, T replaced by C.
Protein change: p.Cys35Arg; replaces cysteine 35 with arginine.
Molecular consequence: missense variant.
Genome position (GRCh38, 1-based): chr12:4,911,481, T>C. VCF-style: chr12-4911481-T-C. GRCh37 (hg19) VCF-style: chr12-5020647-T-C.
Other names: short protein forms C35R.
Identifiers: ClinVar variation 2756445 (VCV002756445.3), dbSNP rs2497351455, ClinGen allele CA383453806.